The following is an entry in ClinVar:

NM_015294.6(TRIM37):c.1138C>T (p.Arg380Cys)

Gene: TRIM37 (tripartite motif containing 37; minus strand). Cytogenetic location: 17q22.
Variant type: single nucleotide variant.
Coding change: c.1138C>T on transcript NM_015294.6 (MANE Select); coding-DNA position 1138, C replaced by T.
Protein change: p.Arg380Cys; replaces arginine 380 with cysteine.
Molecular consequence: missense variant. On other transcripts: non-coding transcript variant (2).
Genome position (GRCh38, 1-based): chr17:59,056,936, G>A on the plus strand (C>T on the coding strand, the complement: TRIM37 is on the minus strand). VCF-style: chr17-59056936-G-A. GRCh37 (hg19) VCF-style: chr17-57134297-G-A.
Other names: c.1138C>T, p.Arg380Cys (NM_001005207.5, NM_001320988.3, NM_001320989.3 and 1 more transcripts); c.1036C>T, p.Arg346Cys (NM_001320987.3, NM_001353082.2); c.772C>T, p.Arg258Cys (NM_001320990.3); c.403C>T, p.Arg135Cys (NM_001353083.2); c.676C>T, p.Arg226Cys (NM_001353085.2); c.1087C>T, p.Arg363Cys (NM_001353086.2); short protein forms R135C, R346C, R363C, R226C, R258C, R380C.
Identifiers: ClinVar variation 4732317 (VCV004732317.1).

ClinVar aggregate classification (germline): Uncertain significance (1 of 4 stars; one submission).

gnomAD v4.1: 104 of 1,613,622 alleles (0.0064%); highest among the groups gnomAD compares: African/African-American, 0.008%; no homozygotes.

Submission:

Labcorp Genetics (formerly Invitae), Labcorp
Classification: Uncertain significance. Last evaluated: 2025-05-12. Review status: criteria provided, single submitter. Criteria: Invitae Variant Classification Sherloc (09022015). Collection method: clinical testing. Allele origin: germline.
Comment: This sequence change replaces arginine, which is basic and polar, with cysteine, which is neutral and slightly polar, at codon 380 of the TRIM37 protein (p.Arg380Cys). This variant is present in population databases (rs751146562, gnomAD 0.01%). This variant has not been reported in the literature in individuals affected with TRIM37-related conditions. Invitae Evidence Modeling of protein sequence and biophysical properties (such as structural, functional, and spatial information, amino acid conservation, physicochemical variation, residue mobility, and thermodynamic stability) indicates that this missense variant is expected to disrupt TRIM37 protein function with a positive predictive value of 80%. In summary, the available evidence is currently insufficient to determine the role of this variant in disease. Therefore, it has been classified as a Variant of Uncertain Significance.